The following is an entry in ClinVar:

NM_001372123.1(IKZF5):c.401G>A (p.Gly134Glu)

Gene: IKZF5 (IKAROS family zinc finger 5; minus strand). Cytogenetic location: 10q26.13.
Variant type: single nucleotide variant.
Coding change: c.401G>A on transcript NM_001372123.1 (MANE Select); coding-DNA position 401, G replaced by A.
Protein change: p.Gly134Glu; replaces glycine 134 with glutamic acid.
Molecular consequence: missense variant.
Genome position (GRCh38, 1-based): chr10:122,994,639, C>T on the plus strand (G>A on the coding strand, the complement: IKZF5 is on the minus strand). VCF-style: chr10-122994639-C-T. GRCh37 (hg19) VCF-style: chr10-124754155-C-T.
Other names: c.401G>A, p.Gly134Glu (NM_001271840.1, NM_001372125.1, NM_001372126.1 and 2 more transcripts); c.197G>A, p.Gly66Glu (NM_001372124.1, NM_001372129.1, NM_001372130.1 and 1 more transcripts); short protein forms G134E, G66E.
Identifiers: ClinVar variation 1684457 (VCV001684457.2), dbSNP rs2133379889, ClinGen allele CA378613097.

ClinVar aggregate classification (germline): Pathogenic/Likely pathogenic. Review status: no assertion criteria provided (0 of 4 stars). 2 submissions from 2 submitters: Pathogenic (1); Likely pathogenic (1). Last evaluated 2020-12-23.

Conditions:
Thrombocytopenia 7. Also called: THROMBOCYTOPENIA, AUTOSOMAL DOMINANT, 7. Identifiers: MedGen C5436874, MONDO:0030867, OMIM 619130.

Submissions (2):

OMIM
Classification: Pathogenic for THROMBOCYTOPENIA 7. Last evaluated: 2020-12-23. Review status: no assertion criteria provided. Collection method: literature only. Allele origin: germline.

ISTH-SSC Genomics in Thrombosis and Hemostasis, KU Leuven, Center for Molecular and Vascular Biology
Classification: Likely pathogenic for Thrombocytopenia 7. Review status: no assertion criteria provided. Collection method: research. Allele origin: unknown. Affected: yes.
Comment: Submitted to GoldVariant by Dr Karyn Mégy from NIHR Bioresource - Cambridge University, UK

Literature cited by the submitters: PubMed 31217188 (cited by OMIM).